The following is an entry in ClinVar:

NM_001379029.1(CERT1):c.736A>T (p.Ile246Leu)

Gene: CERT1 (ceramide transporter 1; minus strand). Cytogenetic location: 5q13.3.
Variant type: single nucleotide variant.
Coding change: c.736A>T on transcript NM_001379029.1 (MANE Select); coding-DNA position 736, A replaced by T.
Protein change: p.Ile246Leu; replaces isoleucine 246 with leucine.
Molecular consequence: missense variant.
Genome position (GRCh38, 1-based): chr5:75,416,977, T>A on the plus strand (A>T on the coding strand, the complement: CERT1 is on the minus strand). VCF-style: chr5-75416977-T-A. GRCh37 (hg19) VCF-style: chr5-74712802-T-A.
Other names: c.1120A>T, p.Ile374Leu (NM_001130105.1); c.736A>T, p.Ile246Leu (NM_001379002.1, NM_001379003.1, NM_001379004.1 and 2 more transcripts); short protein forms I246L, I374L.
Identifiers: ClinVar variation 5037394 (VCV005037394.1).

ClinVar aggregate classification (germline): Uncertain significance (1 of 4 stars; one submission).

Submission:

GeneDx
Classification: Uncertain significance. Last evaluated: 2026-04-24. Review status: criteria provided, single submitter. Criteria: GeneDx Variant Classification Process June 2021. Collection method: clinical testing. Allele origin: germline.
Comment: Not observed at significant frequency in large population cohorts (gnomAD); In silico analysis suggests that this missense variant does not alter protein structure/function; Has not been previously published as pathogenic or benign to our knowledge